The following is an entry in ClinVar:

ClinVar aggregate classification (germline): Uncertain significance. Review status: criteria provided, multiple submitters, no conflicts (2 of 4 stars). 2 submissions from 2 submitters: Uncertain significance (2). Last evaluated 2025-10-09.

Conditions:
Inborn genetic diseases. Identifiers: MedGen C0950123, MeSH D030342.

Submissions (2):

Dasa
Classification: Uncertain significance. Last evaluated: 2025-10-09. Review status: criteria provided, single submitter. Criteria: DASA Assertion Criteria. Collection method: clinical testing. Allele origin: germline.
Comment: NM_002539.3(ODC1):c.753C>G (p.Ile251Met) is a missense variant that results in the substitution of isoleucine with methionine. This variant is rare in population databases. The currently available literature and clinical evidence are not sufficient to establish a definitive association between this variant and the reported condition. Therefore, this variant is classified as a variant of uncertain significance.

Ambry Genetics
Classification: Uncertain significance for Inborn genetic diseases. Last evaluated: 2025-08-13. Review status: criteria provided, single submitter. Criteria: Ambry Variant Classification Scheme 2023. Collection method: clinical testing. Allele origin: germline.

NM_002539.3(ODC1):c.753C>G (p.Ile251Met)

Gene: ODC1 (ornithine decarboxylase 1; minus strand). Cytogenetic location: 2p25.1.
Variant type: single nucleotide variant.
Coding change: c.753C>G on transcript NM_002539.3 (MANE Select); coding-DNA position 753, C replaced by G.
Protein change: p.Ile251Met; replaces isoleucine 251 with methionine.
Molecular consequence: missense variant.
Genome position (GRCh38, 1-based): chr2:10,442,172, G>C on the plus strand (C>G on the coding strand, the complement: ODC1 is on the minus strand). VCF-style: chr2-10442172-G-C. GRCh37 (hg19) VCF-style: chr2-10582298-G-C.
Other names: c.366C>G, p.Ile122Met (NM_001287188.2); c.753C>G, p.Ile251Met (NM_001287189.2, NM_001287190.2); short protein forms I251M, I122M.
Identifiers: ClinVar variation 4125237 (VCV004125237.3).